The following is an entry in ClinVar:

ClinVar aggregate classification (germline): Uncertain significance (1 of 4 stars; one submission).

Conditions:
Wilms tumor 1 (WT1). Also called: Wilms tumor, somatic. Identifiers: Orphanet 654, MedGen CN033288, MONDO:0008679, OMIM 194070.

Submission:

Labcorp Genetics (formerly Invitae), Labcorp
Classification: Uncertain significance for Wilms tumor 1. Last evaluated: 2021-06-05. Review status: criteria provided, single submitter. Criteria: Invitae Variant Classification Sherloc (09022015). Collection method: clinical testing. Allele origin: germline.
Comment: This sequence change replaces proline with alanine at codon 188 of the GPC3 protein (p.Pro188Ala). The proline residue is moderately conserved and there is a small physicochemical difference between proline and alanine. This variant is not present in population databases (ExAC no frequency). This variant has not been reported in the literature in individuals with GPC3-related conditions. Algorithms developed to predict the effect of missense changes on protein structure and function (SIFT, PolyPhen-2, Align-GVGD) all suggest that this variant is likely to be tolerated, but these predictions have not been confirmed by published functional studies and their clinical significance is uncertain. In summary, the available evidence is currently insufficient to determine the role of this variant in disease. Therefore, it has been classified as a Variant of Uncertain Significance.

NM_004484.4(GPC3):c.562C>G (p.Pro188Ala)

Gene: GPC3 (glypican 3; minus strand). Cytogenetic location: Xq26.2.
Variant type: single nucleotide variant.
Coding change: c.562C>G on transcript NM_004484.4 (MANE Select); coding-DNA position 562, C replaced by G.
Protein change: p.Pro188Ala; replaces proline 188 with alanine.
Molecular consequence: missense variant.
Genome position (GRCh38, 1-based): chrX:133,753,952, G>C on the plus strand (C>G on the coding strand, the complement: GPC3 is on the minus strand). VCF-style: chrX-133753952-G-C. GRCh37 (hg19) VCF-style: chrX-132887979-G-C.
Other names: c.562C>G, p.Pro188Ala (NM_001164617.2); c.514C>G, p.Pro172Ala (NM_001164618.2); c.400C>G, p.Pro134Ala (NM_001164619.2); short protein forms P134A, P188A, P172A.
Identifiers: ClinVar variation 1510966 (VCV001510966.8), dbSNP rs2071699046, ClinGen allele CA414706349.
Genomic context (GRCh38, chrX:133,753,952, plus strand): 5'-ATACTTTCAGGTCACGTCTTGCTCCTCGGAGGCACTCATTGATGTCCAAGGCTGAATCAG[G>C]CAGGCCTGGGTTCATTAGCTGGGTATAGATGACTGGAAACAGGCTGTCAAACAATTCATT-3'
Protein context (NP_004475.1, residues 178-198): IYTQLMNPGL[Pro188Ala]DSALDINECL